The following is an entry in ClinVar:

NM_001204.7(BMPR2):c.1816A>T (p.Thr606Ser)

Gene: BMPR2 (bone morphogenetic protein receptor type 2; plus strand). Cytogenetic location: 2q33.2.
Variant type: single nucleotide variant.
Coding change: c.1816A>T on transcript NM_001204.7 (MANE Select); coding-DNA position 1816, A replaced by T.
Protein change: p.Thr606Ser; replaces threonine 606 with serine.
Molecular consequence: missense variant.
Genome position (GRCh38, 1-based): chr2:202,555,481, A>T. VCF-style: chr2-202555481-A-T. GRCh37 (hg19) VCF-style: chr2-203420204-A-T.
Other names: short protein forms T606S.
Identifiers: ClinVar variation 3585292 (VCV003585292.2).
Genomic context (GRCh38, chr2:202,555,481, plus strand): 5'-TCAATTAACTATGAACGACAGCAAGCACAAGCTCGAATCCCCAGCCCTGAAACAAGTGTC[A>T]CCAGCCTCTCCACCAACACAACAACCACAAACACCACAGGACTCACGCCAAGTACTGGCA-3'
Protein context (NP_001195.2, residues 596-616): ARIPSPETSV[Thr606Ser]SLSTNTTTTN

ClinVar aggregate classification (germline): Uncertain significance. Review status: criteria provided, multiple submitters, no conflicts (2 of 4 stars). 2 submissions from 2 submitters: Uncertain significance (2). Last evaluated 2025-02-02.

Conditions:
Pulmonary hypertension, primary, 1 (PPH1). Also called: Pulmonary hypertension, familial primary, 1, with or without HHT. Identifiers: Orphanet 422, MedGen C4552070, MONDO:0024533, OMIM 178600.
Pulmonary venoocclusive disease 1 (PVOD1). Also called: Pulmonary venoocclusive disease 1, autosomal dominant. Identifiers: Orphanet 31837, MedGen C3887658, MONDO:0020713, OMIM 265450.
Inborn genetic diseases. Identifiers: MedGen C0950123, MeSH D030342.

Submissions (2):

Ambry Genetics
Classification: Uncertain significance for Inborn genetic diseases. Last evaluated: 2025-02-02. Review status: criteria provided, single submitter. Criteria: Ambry Variant Classification Scheme 2023. Collection method: clinical testing. Allele origin: germline.
Comment: The p.T606S variant (also known as c.1816A>T), located in coding exon 12 of the BMPR2 gene, results from an A to T substitution at nucleotide position 1816. The threonine at codon 606 is replaced by serine, an amino acid with similar properties. This amino acid position is conserved. In addition, the in silico prediction for this alteration is inconclusive. Based on the available evidence, the clinical significance of this variant remains unclear.

Fulgent Genetics
Classification: Uncertain significance for Pulmonary hypertension, primary, 1; Pulmonary venoocclusive disease 1. Last evaluated: 2024-05-11. Review status: criteria provided, single submitter. Criteria: ACMG Guidelines, 2015. Collection method: clinical testing. Allele origin: germline.